The following is an entry in ClinVar:

ClinVar aggregate classification (germline): Uncertain significance (1 of 4 stars; one submission).

Allele frequency attached by ClinVar (database versions not stated): gnomAD exomes below 0.00001; ExAC 0.00001.

Submission:

Women's Health and Genetics/Laboratory Corporation of America, LabCorp
Classification: Uncertain significance. Last evaluated: 2023-08-08. Review status: criteria provided, single submitter. Criteria: LabCorp Variant Classification Summary - May 2015. Collection method: clinical testing. Allele origin: germline.
Comment: Variant summary: POU1F1 c.3G>C (p.Met1Ile) alters the initiation codon and is predicted to result either in absence of the protein or truncation of the encoded protein due to translation initiation at a downstream codon. The next downstream in-frame initiation codon is at Met 27. Activation of the potential downstream translation initiation site would result in a shortened protein missing the first 26 amino acids. Two of three in-silico tools predict a damaging effect of the variant on protein function. The variant allele was found at a frequency of 4e-06 in 250646 control chromosomes. The available data on variant occurrences in the general population are insufficient to allow any conclusion about variant significance. To our knowledge, no occurrence of c.3G>C in individuals affected with &phenotype& and no experimental evidence demonstrating its impact on protein function have been reported. No submitters have cited clinical-significance assessments for this variant to ClinVar after 2014. Based on the evidence outlined above, the variant was classified as uncertain significance.

NM_000306.4(POU1F1):c.3G>C (p.Met1Ile)

Gene: POU1F1 (POU class 1 homeobox 1; minus strand). Cytogenetic location: 3p11.2.
Variant type: single nucleotide variant.
Coding change: c.3G>C on transcript NM_000306.4 (MANE Select); coding-DNA position 3, G replaced by C.
Protein change: p.Met1Ile; changes the start codon (methionine 1).
Molecular consequence: missense variant, initiator codon variant.
Genome position (GRCh38, 1-based): chr3:87,276,460, C>G on the plus strand (G>C on the coding strand, the complement: POU1F1 is on the minus strand). VCF-style: chr3-87276460-C-G. GRCh37 (hg19) VCF-style: chr3-87325610-C-G.
Other names: c.3G>C, p.Met1Ile (NM_001122757.3); short protein forms M1I.
Identifiers: ClinVar variation 2581555 (VCV002581555.1), dbSNP rs752815164, ClinGen allele CA2501328.